The following is an entry in ClinVar:

NM_005720.4(ARPC1B):c.694G>A (p.Asp232Asn)

Gene: ARPC1B (actin related protein 2/3 complex subunit 1B; plus strand). Cytogenetic location: 7q22.1.
Variant type: single nucleotide variant.
Coding change: c.694G>A on transcript NM_005720.4 (MANE Select); coding-DNA position 694, G replaced by A.
Protein change: p.Asp232Asn; replaces aspartic acid 232 with asparagine.
Molecular consequence: missense variant.
Genome position (GRCh38, 1-based): chr7:99,391,086, G>A. VCF-style: chr7-99391086-G-A. GRCh37 (hg19) VCF-style: chr7-98988709-G-A.
Other names: c.694G>A (NM_005720.3); short protein forms D232N.
Identifiers: ClinVar variation 1367237 (VCV001367237.7), dbSNP rs149569034, ClinGen allele CA4364088.

ClinVar aggregate classification (germline): Conflicting classifications of pathogenicity. Review status: criteria provided, conflicting classifications (1 of 4 stars). 3 submissions from 3 submitters: Uncertain significance (2); Likely benign (1). Last evaluated 2025-01-18.

Conditions:
Inborn genetic diseases. Identifiers: MedGen C0950123, MeSH D030342.

Allele frequency attached by ClinVar (database versions not stated): ExAC 0.00010; gnomAD exomes 0.00010; 1000 Genomes Project 30x 0.00016; 1000 Genomes Project 0.00020; gnomAD 0.00034 and 0.00039; ESP Exome Variant Server 0.00038; TOPMed 0.00040.
gnomAD v4.1: 102 of 1,613,448 alleles (0.0063%); highest among the groups gnomAD compares: African/African-American, 0.1%; no homozygotes.

Submissions (3):

Ambry Genetics
Classification: Uncertain significance for Inborn genetic diseases. Last evaluated: 2025-01-18. Review status: criteria provided, single submitter. Criteria: Ambry Variant Classification Scheme 2023. Collection method: clinical testing. Allele origin: germline.

Blueprint Genetics
Classification: Likely benign. Last evaluated: 2022-12-21. Review status: criteria provided, single submitter. Criteria: ACMG Guidelines, 2015. Collection method: clinical testing. Allele origin: germline.

Labcorp Genetics (formerly Invitae), Labcorp
Classification: Uncertain significance. Last evaluated: 2022-10-13. Review status: criteria provided, single submitter. Criteria: Invitae Variant Classification Sherloc (09022015). Collection method: clinical testing. Allele origin: germline.
Comment: In summary, the available evidence is currently insufficient to determine the role of this variant in disease. Therefore, it has been classified as a Variant of Uncertain Significance. Advanced modeling of protein sequence and biophysical properties (such as structural, functional, and spatial information, amino acid conservation, physicochemical variation, residue mobility, and thermodynamic stability) performed at Invitae indicates that this missense variant is not expected to disrupt ARPC1B protein function. ClinVar contains an entry for this variant (Variation ID: 1367237). This variant has not been reported in the literature in individuals affected with ARPC1B-related conditions. This variant is present in population databases (rs149569034, gnomAD 0.1%). This sequence change replaces aspartic acid, which is acidic and polar, with asparagine, which is neutral and polar, at codon 232 of the ARPC1B protein (p.Asp232Asn).